The following is an entry in ClinVar:

NM_207585.3(IFNAR2):c.555_559del (p.Ile185fs)

Genes: IFNAR2 (interferon alpha and beta receptor subunit 2; plus strand), IFNAR2-IL10RB (IFNAR2-IL10RB readthrough; plus strand). Cytogenetic location: 21q22.11.
Variant type: Deletion.
Coding change: c.555_559del on transcript NM_207585.3; coding-DNA positions 555 to 559, 5 bases deleted (AAAAG; older notation c.555_559delAAAAG).
Protein change: p.Ile185fs; shifts the reading frame from isoleucine 185.
Genome position (GRCh38, 1-based): chr21:33,252,676-33,252,680, AAAAG deleted. VCF-style (leftmost placement, unchanged base first): chr21-33252675-TAAAAG-T. GRCh37 (hg19) VCF-style: chr21-34624980-TAAAAG-T.
Other names: c.555_559delAAAAG (NM_207585.2); c.555_559del, p.Ile185fs (NM_000874.5, NM_001289125.3, NM_001289126.2 and 4 more transcripts); short protein forms I185fs.
Identifiers: ClinVar variation 976791 (VCV000976791.11), dbSNP rs1312285586, ClinGen allele CA638052748.

ClinVar aggregate classification (germline): Pathogenic. Review status: criteria provided, multiple submitters, no conflicts (2 of 4 stars). 3 submissions from 3 submitters: Pathogenic (2). 1 of the submissions does not count toward it. Last evaluated 2023-12-27.

Conditions:
Immunodeficiency 45 (IMD45). Identifiers: MedGen C4225252, MONDO:0014727, OMIM 616669.
Primary immunodeficiency with post-measles-mumps-rubella vaccine viral infection. Also called: Immunodeficiency 44. Identifiers: Orphanet 431166, MedGen C4225260, MONDO:0014715, OMIM 616636.

Allele frequency attached by ClinVar (database versions not stated): gnomAD exomes 0.00001 and 0.00002; TOPMed 0.00001; gnomAD 0.00005 and 0.00006.

Submissions (3):

Labcorp Genetics (formerly Invitae), Labcorp
Classification: Pathogenic. Last evaluated: 2023-12-27. Review status: criteria provided, single submitter. Criteria: Invitae Variant Classification Sherloc (09022015). Collection method: clinical testing. Allele origin: germline.
Comment: This sequence change creates a premature translational stop signal (p.Ile185Metfs*12) in the IFNAR2 gene. It is expected to result in an absent or disrupted protein product. Loss-of-function variants in IFNAR2 are known to be pathogenic (PMID: 26424569, 33193576). This variant is present in population databases (no rsID available, gnomAD 0.006%). This premature translational stop signal has been observed in individual(s) with clinical features of IFNAR2 deficiency (PMID: 33193576). ClinVar contains an entry for this variant (Variation ID: 976791). For these reasons, this variant has been classified as Pathogenic.

Laboratory of Medical Genetics Unit, Bambino Gesù Children's Hospital
Classification: Pathogenic for Primary immunodeficiency with post-measles-mumps-rubella vaccine viral infection. Last evaluated: 2020-04-24. Review status: criteria provided, single submitter. Criteria: ACMG Guidelines, 2015. Collection method: case-control. Allele origin: germline. Inheritance: Autosomal recessive inheritance. Affected: yes. Observed: 1 compound heterozygote.
Comment: Additionally, ex vivo functional studies indicate that the Ile185MetfsTer12 variant causes an impairment of type I IFN-mediated responses (Passarelli, submitted). In summary, the Ile185MetfsTer12 variant meets our criteria to be classified as pathogenic based upon segregation studies, absence from controls and functional evidence.

OMIM
Classification: Pathogenic for IMMUNODEFICIENCY 45. Last evaluated: 2021-11-19. Review status: no assertion criteria provided. Collection method: literature only. Allele origin: germline. Not counted in ClinVar's aggregate classification.

Literature cited by the submitters: PubMed 26424569 (cited by Labcorp Genetics (formerly Invitae), Labcorp); PubMed 33193576 (cited by Labcorp Genetics (formerly Invitae), Labcorp and OMIM).